The following is an entry in ClinVar:

ClinVar aggregate classification (germline): Conflicting classifications of pathogenicity. Review status: criteria provided, conflicting classifications (1 of 4 stars). 2 submissions from 2 submitters: Uncertain significance (1); Likely benign (1). Last evaluated 2026-04-01.

Allele frequency attached by ClinVar (database versions not stated): gnomAD exomes 0.00015; ESP Exome Variant Server 0.00024; gnomAD 0.00024; TOPMed 0.00025; ExAC 0.00027.
gnomAD v4.1: 274 of 1,614,142 alleles (0.017%); highest among the groups gnomAD compares: Middle Eastern, 0.31%; 2 homozygotes.

Submissions (2):

CeGaT Center for Human Genetics Tuebingen
Classification: Likely benign. Last evaluated: 2026-04-01. Review status: criteria provided, single submitter. Criteria: CeGaT Center For Human Genetics Tuebingen Variant Classification Criteria Version 2. Collection method: clinical testing. Allele origin: germline. Affected: yes. Observed: 2 variant alleles.
Comment: ABCC1: BS2

Ambry Genetics
Classification: Uncertain significance. Last evaluated: 2023-12-27. Review status: criteria provided, single submitter. Criteria: Ambry Variant Classification Scheme 2023. Collection method: clinical testing. Allele origin: germline.

NM_004996.4(ABCC1):c.3887G>A (p.Arg1296Gln)

Gene: ABCC1 (ATP binding cassette subfamily C member 1 (ABCC1 blood group); plus strand). Cytogenetic location: 16p13.11.
Variant type: single nucleotide variant.
Coding change: c.3887G>A on transcript NM_004996.4 (MANE Select); coding-DNA position 3887, G replaced by A.
Protein change: p.Arg1296Gln; replaces arginine 1296 with glutamine.
Molecular consequence: missense variant.
Genome position (GRCh38, 1-based): chr16:16,131,856, G>A. VCF-style: chr16-16131856-G-A. GRCh37 (hg19) VCF-style: chr16-16225713-G-A.
Other names: c.3710G>A, p.Arg1237Gln (NM_019862.3); c.3887G>A (NM_004996.3); short protein forms R1237Q, R1296Q.
Identifiers: ClinVar variation 3024796 (VCV003024796.23), dbSNP rs201761081, ClinGen allele CA7924850.